The following is an entry in ClinVar:

ClinVar aggregate classification (germline): Uncertain significance. Review status: criteria provided, multiple submitters, no conflicts (2 of 4 stars). 2 submissions from 2 submitters: Uncertain significance (2). Last evaluated 2021-06-18.

Conditions:
Charcot-Marie-Tooth disease dominant intermediate B (CMTDIB). Also called: Charcot-Marie-Tooth disease dominant intermediate 1; CMT DI1; Charcot-Marie-Tooth disease dominant intermediate I; CHARCOT-MARIE-TOOTH NEUROPATHY, DOMINANT INTERMEDIATE B. Identifiers: Orphanet 100044, Orphanet 228179, MedGen C1847902, MONDO:0011674, OMIM 606482.

Submissions (2):

Labcorp Genetics (formerly Invitae), Labcorp
Classification: Uncertain significance for Charcot-Marie-Tooth disease dominant intermediate B. Last evaluated: 2021-06-18. Review status: criteria provided, single submitter. Criteria: Invitae Variant Classification Sherloc (09022015). Collection method: clinical testing. Allele origin: germline.
Comment: This variant is not present in population databases (ExAC no frequency). This sequence change replaces valine with leucine at codon 520 of the DNM2 protein (p.Val520Leu). The valine residue is highly conserved and there is a small physicochemical difference between valine and leucine. This variant has not been reported in the literature in individuals with DNM2-related conditions. ClinVar contains an entry for this variant (Variation ID: 994174). In summary, the available evidence is currently insufficient to determine the role of this variant in disease. Therefore, it has been classified as a Variant of Uncertain Significance. Algorithms developed to predict the effect of sequence changes on RNA splicing suggest that this variant may disrupt the consensus splice site, but this prediction has not been confirmed by published transcriptional studies. Algorithms developed to predict the effect of missense changes on protein structure and function are either unavailable or do not agree on the potential impact of this missense change (SIFT: "Deleterious"; PolyPhen-2: "Benign"; Align-GVGD: "Class C25").

ARUP Laboratories, Molecular Genetics and Genomics, ARUP Laboratories
Classification: Uncertain significance. Last evaluated: 2019-11-11. Review status: criteria provided, single submitter. Criteria: ARUP Molecular Germline Variant Investigation Process. Collection method: clinical testing. Allele origin: germline.
Comment: The DMN2 c.1558G>C; p.Val520Leu variant, to our knowledge, is not reported in the medical literature or gene-specific databases. This variant is also absent from general population databases (Exome Variant Server, Genome Aggregation Database), indicating it is not a common polymorphism. The valine at codon 520 is highly conserved, but computational analyses (SIFT: tolerated, PolyPhen-2: damaging) predict conflicting effects of this variant on protein structure/function. In addition, this variant occurs in the first nucleotide of exon 16, and computational analyses (Alamut v.2.11) predict that this variant may impact splicing by weakening the nearby canonical acceptor splice site, although RNA studies would be required to confirm this. Given the lack of clinical and functional data, the significance of the p.Val520Leu variant is uncertain at this time.

NM_001005361.3(DNM2):c.1558G>C (p.Val520Leu)

Gene: DNM2 (dynamin 2; plus strand). Cytogenetic location: 19p13.2.
Variant type: single nucleotide variant.
Coding change: c.1558G>C on transcript NM_001005361.3 (MANE Select); coding-DNA position 1558, G replaced by C.
Protein change: p.Val520Leu; replaces valine 520 with leucine.
Molecular consequence: missense variant.
Genome position (GRCh38, 1-based): chr19:10,812,264, G>C. VCF-style: chr19-10812264-G-C. GRCh37 (hg19) VCF-style: chr19-10922940-G-C.
Other names: c.1558G>C, p.Val520Leu (NM_001005360.3, NM_001190716.2); c.1546G>C, p.Val516Leu (NM_001005362.3, NM_004945.4); short protein forms V516L, V520L.
Identifiers: ClinVar variation 994174 (VCV000994174.16), dbSNP rs2072577212, ClinGen allele CA404039345.